The following is an entry in ClinVar:

ClinVar aggregate classification (germline): Benign (1 of 4 stars; one submission).

Allele frequency attached by ClinVar (database versions not stated): 1000 Genomes Project 0.25998; gnomAD 0.27362 and 0.26422; 1000 Genomes Project 30x 0.26843; TOPMed 0.29219.
gnomAD v4.1: 40,127 of 151,954 alleles (26%); highest among the groups gnomAD compares: African/African-American, 51%; 7,299 homozygotes.

Submission:

GeneDx
Classification: Benign. Last evaluated: 2018-06-19. Review status: criteria provided, single submitter. Criteria: GeneDx Variant Classification (06012015). Collection method: clinical testing. Allele origin: germline. Affected: yes.
Comment: This variant is considered likely benign or benign based on one or more of the following criteria: it is a conservative change, it occurs at a poorly conserved position in the protein, it is predicted to be benign by multiple in silico algorithms, and/or has population frequency not consistent with disease.

NM_001127493.3(ANK2):c.21+199T>C

Gene: ANK2 (ankyrin 2; plus strand). Cytogenetic location: 4q25.
Variant type: single nucleotide variant.
Coding change: c.21+199T>C on transcript NM_001127493.3; 199 bases into the intron after coding-DNA position 21, T replaced by C.
Molecular consequence: intron variant.
Genome position (GRCh38, 1-based): chr4:112,904,713, T>C. VCF-style: chr4-112904713-T-C. GRCh37 (hg19) VCF-style: chr4-113825869-T-C.
Other names: c.21+199T>C (NM_001386150.1, NM_001386149.1, NM_001386153.1 and 35 more transcripts); c.72+198496T>C (NM_001386186.2, NM_001386148.2, NM_001354269.3 and 1 more transcripts).
Identifiers: ClinVar variation 672177 (VCV000672177.3), dbSNP rs7675254, ClinGen allele CA104468321.
Genomic context (GRCh38, chr4:112,904,713, plus strand): 5'-TAATTATAAGAAATGTAATATACTATAAGACTTTTCTTTCTGTAGTCTAGGCAATTATCA[T>C]TGGTATCATTTGGGAATGAAAAGGTAAATAGATTGTCTCTTCCTCAAGATATTCATTGCT-3'